The following is an entry in ClinVar:

ClinVar aggregate classification (germline): Likely benign (1 of 4 stars; one submission).

Allele frequency attached by ClinVar (database versions not stated): 1000 Genomes Project 0.00459; 1000 Genomes Project 30x 0.00484; gnomAD 0.00662 and 0.00714; TOPMed 0.00778.
gnomAD v4.1: 994 of 151,922 alleles (0.65%); highest among the groups gnomAD compares: African/African-American, 2.3%; 9 homozygotes.

Submission:

GeneDx
Classification: Likely benign. Last evaluated: 2018-06-16. Review status: criteria provided, single submitter. Criteria: GeneDx Variant Classification (06012015). Collection method: clinical testing. Allele origin: germline. Affected: yes.
Comment: This variant is considered likely benign or benign based on one or more of the following criteria: it is a conservative change, it occurs at a poorly conserved position in the protein, it is predicted to be benign by multiple in silico algorithms, and/or has population frequency not consistent with disease.

NM_001378615.1(CC2D2A):c.438+261T>A

Genes: CC2D2A (coiled-coil and C2 domain containing 2A; plus strand), FBXL5 (F-box and leucine rich repeat protein 5; minus strand). Cytogenetic location: 4p15.32.
Variant type: single nucleotide variant.
Coding change: c.438+261T>A on transcript NM_001378615.1 (MANE Select); 261 bases into the intron after coding-DNA position 438, T replaced by A.
Molecular consequence: intron variant.
Genome position (GRCh38, 1-based): chr4:15,503,184, T>A. VCF-style: chr4-15503184-T-A. GRCh37 (hg19) VCF-style: chr4-15504807-T-A.
Other names: c.438+261T>A (NM_001080522.2); c.291+261T>A (NM_001378617.1).
Identifiers: ClinVar variation 673832 (VCV000673832.1), dbSNP rs568102516, ClinGen allele CA92505036.